The following is an entry in ClinVar:

NM_004415.4(DSP):c.4565C>T (p.Thr1522Met)

Gene: DSP (desmoplakin; plus strand). Cytogenetic location: 6p24.3.
Variant type: single nucleotide variant.
Coding change: c.4565C>T on transcript NM_004415.4 (MANE Select); coding-DNA position 4565, C replaced by T.
Protein change: p.Thr1522Met; replaces threonine 1522 with methionine.
Molecular consequence: missense variant. On other transcripts: intron variant (2).
Genome position (GRCh38, 1-based): chr6:7,580,755, C>T. VCF-style: chr6-7580755-C-T. GRCh37 (hg19) VCF-style: chr6-7580988-C-T.
Other names: c.4565C>T (LRG_423t1, NM_004415.3); c.4050+515C>T (NM_001319034.2); c.3582+983C>T (NM_001008844.3); short protein forms T1522M.
Identifiers: ClinVar variation 405228 (VCV000405228.28), dbSNP rs375150075, ClinGen allele CA041962.
Genomic context (GRCh38, chr6:7,580,755, plus strand): 5'-ATGAAAACGCGAGATTACAAAGGGTCCAGTATGACCTGCAGAAAGCAAACAGTAGTGCGA[C>T]GGAGACAATAAACAAACTGAAGGTTCAGGAGCAAGAACTGACACGCCTGAGGATCGACTA-3'
Protein context (NP_004406.2, residues 1512-1532): YDLQKANSSA[Thr1522Met]ETINKLKVQE

ClinVar aggregate classification (germline): Conflicting classifications of pathogenicity. Review status: criteria provided, conflicting classifications (1 of 4 stars). 10 submissions from 10 submitters: Uncertain significance (6); Likely benign (2). 2 of the submissions do not count toward it. Last evaluated 2026-06-09.

Conditions:
DSP-related disorder. Also called: DSP-related disorders; DSP-related condition.
Cardiovascular phenotype. Identifiers: MedGen CN230736.
Ventricular tachycardia. Identifiers: MedGen C0042514, MONDO:0005477, HP:0004756.
Arrhythmogenic right ventricular dysplasia 8 (ARVD8). Also called: ARRHYTHMOGENIC RIGHT VENTRICULAR DYSPLASIA, FAMILIAL, 8; ARRHYTHMOGENIC RIGHT VENTRICULAR CARDIOMYOPATHY 8; Arrhythmogenic Right Ventricular Dysplasia/Cardiomyopathy 8. Identifiers: MedGen C1843896, MONDO:0011831, OMIM 607450.
Arrhythmogenic cardiomyopathy with wooly hair and keratoderma. Also called: PALMOPLANTAR KERATODERMA WITH LEFT VENTRICULAR CARDIOMYOPATHY AND WOOLLY HAIR; Carvajal syndrome; Arrhythmogenic cardiomyopathy with woolly hair and keratoderma; Dilated cardiomyopathy with woolly hair and keratoderma. Identifiers: Orphanet 65282, MedGen C1854063, MONDO:0011581, OMIM 605676.
Cardiomyopathy (CMYO). Also called: Cardiomyopathies. Identifiers: Orphanet 167848, MedGen C0878544, MONDO:0004994, HP:0001638. Inheritance: Various modes of inheritance.

Allele frequency attached by ClinVar (database versions not stated): gnomAD 0.00002; ExAC 0.00003; gnomAD exomes 0.00003 and 0.00006; TOPMed 0.00006; ESP Exome Variant Server 0.00008.

Submissions (10):

PreventionGenetics, part of Exact Sciences
Classification: Uncertain significance for DSP-related condition. Last evaluated: 2026-06-09. Review status: criteria provided, single submitter. Criteria: ACMG Guidelines, 2015. Collection method: clinical testing. Allele origin: germline.
Comment: The DSP c.4565C>T variant is predicted to result in the amino acid substitution p.Thr1522Met. This variant has been reported in two individuals and one control from cohort studies of patients with dilated cardiomyopathy (Tables S3 and S4, Mazzarotto et al. 2020. PubMed ID: 31983221; Table S9, McGurk et al. 2023. PubMed ID: 37652022) and in an individual affected with arrhythmogenic right ventricular cardiomyopathy (Table S9, van Lint et al. 2019. PubMed ID: 30847666). In addition, this variant has been reported in an individual who also harbored a pathogenic DSP variant of unknown phase presenting with arrhythmogenic cardiomyopathy (Reisqs et al. 2023. PubMed ID: 36836569). This variant is reported in 0.028% of alleles in individuals of Latino descent in gnomAD. At this time, the clinical significance of this variant is uncertain due to the absence of conclusive functional and genetic evidence.

Labcorp Genetics (formerly Invitae), Labcorp
Classification: Likely benign for Arrhythmogenic cardiomyopathy with wooly hair and keratoderma; Arrhythmogenic right ventricular dysplasia 8. Last evaluated: 2025-11-05. Review status: criteria provided, single submitter. Criteria: Invitae Variant Classification Sherloc (09022015). Collection method: clinical testing. Allele origin: germline.

Ambry Genetics
Classification: Uncertain significance for Cardiovascular phenotype. Last evaluated: 2025-08-31. Review status: criteria provided, single submitter. Criteria: Ambry Variant Classification Scheme 2023. Collection method: clinical testing. Allele origin: germline.
Comment: The p.T1522M variant (also known as c.4565C>T), located in coding exon 23 of the DSP gene, results from a C to T substitution at nucleotide position 4565. The threonine at codon 1522 is replaced by methionine, an amino acid with similar properties. This variant has been reported in one affected individual from a dilated cardiomyopathy (DCM) cohort, as well as in one healthy control (Mazzarotto F et al. Circulation, 2020 02;141:387-398). This variant was also detected in an individual with arrhythmogenic right ventricular cardiomyopathy (ARVC) from a cardiomyopathy genetic testing cohort; however, clinical details were limited, and additional cardiac variants were detected (van Lint FHM et al. Neth Heart J, 2019 Jun;27:304-309). This amino acid position is not well conserved in available vertebrate species. In addition, this alteration is predicted to be tolerated by in silico analysis. Since supporting evidence is limited at this time, the clinical significance of this alteration remains unclear.

Molecular Diagnostic Laboratory for Inherited Cardiovascular Disease, Montreal Heart Institute
Classification: Likely benign. Last evaluated: 2025-02-17. Review status: criteria provided, single submitter. Criteria: ACMG Guidelines, 2015. Collection method: clinical testing. Allele origin: germline. Affected: no.
Comment: BS1;BP4

All of Us Research Program, National Institutes of Health
Classification: Uncertain significance for Arrhythmogenic cardiomyopathy with wooly hair and keratoderma. Last evaluated: 2024-08-06. Review status: criteria provided, single submitter. Criteria: ACMG Guidelines, 2015. Collection method: clinical testing. Allele origin: germline. Inheritance: Autosomal dominant inheritance. Observed: 14 variant alleles, 14 heterozygotes.
Comment: This missense variant replaces threonine with methionine at codon 1522 of the DSP protein. Computational prediction suggests that this variant may not impact protein structure and function (internally defined REVEL score threshold <= 0.5, PMID: 27666373). To our knowledge, functional studies have not been reported for this variant. This variant has been reported in an individual affected with arrhythmogenic right ventricular cardiomyopathy (PMID: 30847666) and in an individual affected with dilated cardiomyopathy (PMID: 31983221). This variant has been identified in 18/281634 chromosomes in the general population by the Genome Aggregation Database (gnomAD). The available evidence is insufficient to determine the role of this variant in disease conclusively. Therefore, this variant is classified as a Variant of Uncertain Significance.

This study involves interpretation of variants in research participants for the purpose of population health screening. Participant phenotype was not available at the time of variant classification. Additional details can be found in publication PMID: 35346344, PMCID: PMC8962531

Color Diagnostics, LLC DBA Color Health
Classification: Uncertain significance for Cardiomyopathy. Last evaluated: 2024-01-03. Review status: criteria provided, single submitter. Criteria: ACMG Guidelines, 2015. Collection method: clinical testing. Allele origin: germline.
Comment: This missense variant replaces threonine with methionine at codon 1522 of the DSP protein. Computational prediction suggests that this variant may not impact protein structure and function (internally defined REVEL score threshold <= 0.5, PMID: 27666373). To our knowledge, functional studies have not been reported for this variant. This variant has been reported in an individual affected with arrhythmogenic right ventricular cardiomyopathy (PMID: 30847666) and in an individual affected with dilated cardiomyopathy (PMID: 31983221). This variant has also been reported in an individual affected with arrhythmogenic cardiomyopathy who carried a pathogenic variant in the DSP gene in unknown phase (PMID: 36836569). This variant has been identified in 18/281634 chromosomes in the general population by the Genome Aggregation Database (gnomAD). The available evidence is insufficient to determine the role of this variant in disease conclusively. Therefore, this variant is classified as a Variant of Uncertain Significance.

GeneDx
Classification: Uncertain significance. Last evaluated: 2022-11-16. Review status: criteria provided, single submitter. Criteria: GeneDx Variant Classification Process June 2021. Collection method: clinical testing. Allele origin: germline. Affected: yes.
Comment: Reported in an individual with DCM (Mazzarotto et al., 2020); In silico analysis supports that this missense variant does not alter protein structure/function; This variant is associated with the following publications: (PMID: 31983221)

Center for Advanced Laboratory Medicine, UC San Diego Health, University of California San Diego
Classification: Uncertain significance for Ventricular tachycardia. Last evaluated: 2019-03-04. Review status: criteria provided, single submitter. Criteria: ACMG Guidelines, 2015. Collection method: clinical testing. Allele origin: germline. Affected: yes. Observed: 1 variant allele.

Clinical Genetics, Academic Medical Center
Classification: Uncertain significance. Review status: no assertion criteria provided. Collection method: clinical testing. Allele origin: germline. Affected: yes. Study: VKGL Data-share Consensus. Not counted in ClinVar's aggregate classification.

Joint Genome Diagnostic Labs from Nijmegen and Maastricht, Radboudumc and MUMC+
Classification: Uncertain significance. Review status: no assertion criteria provided. Collection method: clinical testing. Allele origin: germline. Affected: yes. Study: VKGL Data-share Consensus. Not counted in ClinVar's aggregate classification.

Literature cited by the submitters: PubMed 30847666 (cited by 3 submitters); PubMed 31983221 (cited by 3 submitters); PubMed 36836569 (cited by Color Diagnostics, LLC DBA Color Health).